The following is an entry in ClinVar:

ClinVar aggregate classification (germline): Uncertain significance (1 of 4 stars; one submission).

Conditions:
Inborn genetic diseases. Identifiers: MedGen C0950123, MeSH D030342.

Allele frequency attached by ClinVar (database versions not stated): ExAC 0.00001; gnomAD 0.00001; gnomAD exomes 0.00002.
gnomAD v4.1: 26 of 1,598,030 alleles (0.0016%); highest among the groups gnomAD compares: Non-Finnish European, 0.0021%; no homozygotes.

Submission:

Ambry Genetics
Classification: Uncertain significance for Inborn genetic diseases. Last evaluated: 2025-12-29. Review status: criteria provided, single submitter. Criteria: Ambry Variant Classification Scheme 2023. Collection method: clinical testing. Allele origin: germline.
Comment: The c.284C>G (p.P95R) alteration is located in exon 3 (coding exon 3) of the OXR1 gene. This alteration results from a C to G substitution at nucleotide position 284, causing the proline (P) at amino acid position 95 to be replaced by an arginine (R). Based on data from gnomAD, the G allele has an overall frequency of 0.001% (3/249878) total alleles studied. The highest observed frequency was 0.016% (1/6086) of Other alleles. Based on insufficient or conflicting evidence, the clinical significance of this alteration remains unclear.

NM_001198533.2(OXR1):c.281C>G (p.Pro94Arg)

Gene: OXR1 (oxidation resistance 1; plus strand). Cytogenetic location: 8q23.1.
Variant type: single nucleotide variant.
Coding change: c.281C>G on transcript NM_001198533.2 (MANE Select); coding-DNA position 281, C replaced by G.
Protein change: p.Pro94Arg; replaces proline 94 with arginine.
Molecular consequence: missense variant.
Genome position (GRCh38, 1-based): chr8:106,679,270, C>G. VCF-style: chr8-106679270-C-G. GRCh37 (hg19) VCF-style: chr8-107691498-C-G.
Other names: c.284C>G, p.Pro95Arg (NM_001198532.1); c.281C>G, p.Pro94Arg (NM_018002.3); c.260C>G, p.Pro87Arg (NM_181354.4); short protein forms P87R, P95R, P94R.
Identifiers: ClinVar variation 3207586 (VCV003207586.2), dbSNP rs758137442, ClinGen allele CA4840172.
Genomic context (GRCh38, chr8:106,679,270, plus strand): 5'-ACACTGGCCAAAAGAAGACCCTAGACAAGAAAGATGGAAGACGAATGTCTTTTCAGAAAC[C>G]TAAAGGGACTATTGAGTATACTGTAAGTTATTTGCTTTCGAAAAAGCTATTTTTCTTTGT-3'
Protein context (NP_001185462.1, residues 84-104): KDGRRMSFQK[Pro94Arg]KGTIEYTVES